The following is an entry in ClinVar:

NM_002334.4(LRP4):c.2498del (p.Thr833fs)

Gene: LRP4 (LDL receptor related protein 4; minus strand). Cytogenetic location: 11p11.2.
Variant type: Deletion.
Coding change: c.2498del on transcript NM_002334.4 (MANE Select); coding-DNA position 2498, one base deleted (C; older notation c.2498delC).
Protein change: p.Thr833fs; shifts the reading frame from threonine 833.
Molecular consequence: frameshift variant.
Genome position (GRCh38, 1-based): chr11:46,886,099, G deleted on the plus strand (C on the coding strand, the reverse complement: LRP4 is on the minus strand). VCF-style (leftmost placement, unchanged base first): chr11-46886098-TG-T. GRCh37 (hg19) VCF-style: chr11-46907649-TG-T.
Other names: short protein forms T833fs.
Identifiers: ClinVar variation 2112258 (VCV002112258.4), dbSNP rs2539749999, ClinGen allele CA2580084138.

ClinVar aggregate classification (germline): Pathogenic (1 of 4 stars; one submission).

Conditions:
Cenani-Lenz syndactyly syndrome. Also called: CENANI SYNDACTYLISM; SYNDACTYLY, TYPE VII. Identifiers: Orphanet 3258, MedGen C1859309, MONDO:0008931, OMIM 212780.
Sclerosteosis 2 (SOST2). Identifiers: Orphanet 3152, MedGen C3280402, MONDO:0013679, OMIM 614305.
Congenital myasthenic syndrome 17. Identifiers: Orphanet 590, MedGen C4225377, MONDO:0014578, OMIM 616304.

Submission:

Labcorp Genetics (formerly Invitae), Labcorp
Classification: Pathogenic for Cenani-Lenz syndactyly syndrome; Sclerosteosis 2; Congenital myasthenic syndrome 17. Last evaluated: 2022-03-19. Review status: criteria provided, single submitter. Criteria: Invitae Variant Classification Sherloc (09022015). Collection method: clinical testing. Allele origin: germline.
Comment: This variant is not present in population databases (gnomAD no frequency). This sequence change creates a premature translational stop signal (p.Thr833Lysfs*10) in the LRP4 gene. It is expected to result in an absent or disrupted protein product. Loss-of-function variants in LRP4 are known to be pathogenic (PMID: 23636941, 24924585). This variant has not been reported in the literature in individuals affected with LRP4-related conditions. For these reasons, this variant has been classified as Pathogenic.

Literature cited by the submitters: PubMed 23636941; PubMed 24924585.